The following is an entry in ClinVar:

NM_003153.5(STAT6):c.971T>C (p.Leu324Pro)

Gene: STAT6 (signal transducer and activator of transcription 6; minus strand). Cytogenetic location: 12q13.3.
Variant type: single nucleotide variant.
Coding change: c.971T>C on transcript NM_003153.5 (MANE Select); coding-DNA position 971, T replaced by C.
Protein change: p.Leu324Pro; replaces leucine 324 with proline.
Molecular consequence: missense variant. On other transcripts: non-coding transcript variant (1).
Genome position (GRCh38, 1-based): chr12:57,105,181, A>G on the plus strand (T>C on the coding strand, the complement: STAT6 is on the minus strand). VCF-style: chr12-57105181-A-G. GRCh37 (hg19) VCF-style: chr12-57498964-A-G.
Other names: c.971T>C, p.Leu324Pro (NM_001178078.2, NM_001178079.2); c.641T>C, p.Leu214Pro (NM_001178080.2, NM_001178081.2); short protein forms L214P, L324P.
Identifiers: ClinVar variation 4839328 (VCV004839328.1).

ClinVar aggregate classification (germline): Uncertain significance (1 of 4 stars; one submission).

Conditions:
Inborn genetic diseases. Identifiers: MedGen C0950123, MeSH D030342.

Submission:

Ambry Genetics
Classification: Uncertain significance for Inborn genetic diseases. Last evaluated: 2026-01-14. Review status: criteria provided, single submitter. Criteria: Ambry Variant Classification Scheme 2023. Collection method: clinical testing. Allele origin: germline.
Comment: The c.971T>C (p.L324P) alteration is located in exon 9 (coding exon 8) of the STAT6 gene. This alteration results from a T to C substitution at nucleotide position 971, causing the leucine (L) at amino acid position 324 to be replaced by a proline (P). Based on data from gnomAD, the C allele has an overall frequency of <0.001% (0/250702) total alleles studied. The highest observed frequency was <0.001% (/) of alleles. Based on insufficient or conflicting evidence, the clinical significance of this alteration remains unclear.